The following is an entry in ClinVar:

NM_006218.4(PIK3CA):c.529T>C (p.Leu177=)

Gene: PIK3CA (phosphatidylinositol-4,5-bisphosphate 3-kinase catalytic subunit alpha; plus strand). Cytogenetic location: 3q26.32.
Variant type: single nucleotide variant.
Coding change: c.529T>C on transcript NM_006218.4 (MANE Select); coding-DNA position 529, T replaced by C.
Protein change: p.Leu177=; no amino-acid change (leucine 177 retained).
Molecular consequence: synonymous variant.
Genome position (GRCh38, 1-based): chr3:179,199,866, T>C. VCF-style: chr3-179199866-T-C. GRCh37 (hg19) VCF-style: chr3-178917654-T-C.
Other names: c.529T>C (LRG_310t1).
Identifiers: ClinVar variation 456548 (VCV000456548.21), dbSNP rs759712592, ClinGen allele CA2710553.

ClinVar aggregate classification (germline): Likely benign. Review status: criteria provided, multiple submitters, no conflicts (2 of 4 stars). 4 submissions from 4 submitters: Likely benign (4). Last evaluated 2025-11-01.

Conditions:
Cowden syndrome (CS). Also called: Cowden's disease; Cowden's syndrome; Cowden disease. Identifiers: Orphanet 201, MedGen C0018553, MONDO:0016063. Disease mechanism: gain of function.
Inborn genetic diseases. Identifiers: MedGen C0950123, MeSH D030342.

Allele frequency attached by ClinVar (database versions not stated): ExAC 0.00002; gnomAD exomes 0.00004 and 0.00008; gnomAD 0.00006; TOPMed 0.00007.
gnomAD v4.1: 135 of 1,610,854 alleles (0.0084%); highest among the groups gnomAD compares: Non-Finnish European, 0.011%; no homozygotes.

Submissions (4):

CeGaT Center for Human Genetics Tuebingen
Classification: Likely benign. Last evaluated: 2025-11-01. Review status: criteria provided, single submitter. Criteria: CeGaT Center For Human Genetics Tuebingen Variant Classification Criteria Version 2. Collection method: clinical testing. Allele origin: germline. Affected: yes. Observed: 1 variant allele.
Comment: PIK3CA: BP4, BP7

Labcorp Genetics (formerly Invitae), Labcorp
Classification: Likely benign for Cowden syndrome. Last evaluated: 2025-09-02. Review status: criteria provided, single submitter. Criteria: Invitae Variant Classification Sherloc (09022015). Collection method: clinical testing. Allele origin: germline.

Blueprint Genetics
Classification: Likely benign. Last evaluated: 2024-10-03. Review status: criteria provided, single submitter. Criteria: ACMG Guidelines, 2015. Collection method: clinical testing. Allele origin: germline.

Ambry Genetics
Classification: Likely benign for Inborn genetic diseases. Last evaluated: 2022-02-18. Review status: criteria provided, single submitter. Criteria: Ambry Variant Classification Scheme 2023. Collection method: clinical testing. Allele origin: germline.